The following is an entry in ClinVar:

ClinVar aggregate classification (germline): Pathogenic/Likely pathogenic. Review status: criteria provided, multiple submitters, no conflicts (2 of 4 stars). 3 submissions from 3 submitters: Pathogenic (1); Likely pathogenic (1). 1 of the submissions does not count toward it. Last evaluated 2025-09-02.

Conditions:
Usher syndrome type 3A (USH3A). Also called: USHER SYNDROME, TYPE IIIA. Identifiers: MedGen C5779850, MONDO:0010170, OMIM 276902.
Usher syndrome. Also called: Usher Syndromes; Usher's syndrome. Identifiers: Orphanet 886, MedGen CN469326, MeSH D052245, MONDO:0019501. Disease mechanism: loss of function.
Retinitis pigmentosa 61 (RP61). Identifiers: Orphanet 791, MedGen C3280041, MONDO:0013610, OMIM 614180.

Allele frequency attached by ClinVar (database versions not stated): gnomAD exomes below 0.00001; 1000 Genomes Project 30x 0.00016; ExAC 0.00001; gnomAD 0.00001.
gnomAD v4.1: 3 of 1,614,078 alleles (0.00019%); highest among the groups gnomAD compares: South Asian, 0.0022%; no homozygotes.

Submissions (3):

Women's Health and Genetics/Laboratory Corporation of America, LabCorp
Classification: Pathogenic for Usher syndrome. Last evaluated: 2025-09-02. Review status: criteria provided, single submitter. Criteria: LabCorp Variant Classification Summary - May 2015. Collection method: clinical testing. Allele origin: germline.
Comment: Variant summary: CLRN1 c.461T>G (p.Leu154Trp) results in a non-conservative amino acid change in the encoded protein sequence. Algorithms developed to predict the effect of missense changes on protein structure and function all suggest that this variant is likely to be disruptive. The variant allele was found at a frequency of 4e-06 in 250006 control chromosomes. c.461T>G has been observed in homozygous individuals affected with nonsyndromic Retinitis Pigmentosa with segregation (Khan_2011). These data indicate that the variant is likely to be associated with disease. The following publication has been ascertained in the context of this evaluation (PMID: 21310491). ClinVar contains an entry for this variant (Variation ID: 30574). Based on the evidence outlined above, the variant was classified as pathogenic.

Institute of Medical Genetics and Applied Genomics, University Hospital Tübingen
Classification: Likely pathogenic for Usher syndrome type 3A. Last evaluated: 2023-01-30. Review status: criteria provided, single submitter. Criteria: ACMG Guidelines, 2015. Collection method: clinical testing. Allele origin: germline. Inheritance: Autosomal recessive inheritance. Affected: yes.

OMIM
Classification: Pathogenic for RETINITIS PIGMENTOSA 61. Last evaluated: 2011-07-01. Review status: no assertion criteria provided. Collection method: literature only. Allele origin: germline. Not counted in ClinVar's aggregate classification.

Literature cited by the submitters: PubMed 21310491 (cited by Women's Health and Genetics/Laboratory Corporation of America, LabCorp and OMIM).

NM_174878.3(CLRN1):c.461T>G (p.Leu154Trp)

Genes: CLRN1 (clarin 1; minus strand), CLRN1-AS1 (CLRN1 antisense RNA 1; plus strand). Cytogenetic location: 3q25.1.
Variant type: single nucleotide variant.
Coding change: c.461T>G on transcript NM_174878.3 (MANE Select); coding-DNA position 461, T replaced by G.
Protein change: p.Leu154Trp; replaces leucine 154 with tryptophan.
Molecular consequence: missense variant. On other transcripts: 3 prime UTR variant (1), non-coding transcript variant (1).
Genome position (GRCh38, 1-based): chr3:150,928,174, A>C on the plus strand (T>G on the coding strand, the complement: CLRN1 is on the minus strand). VCF-style: chr3-150928174-A-C. GRCh37 (hg19) VCF-style: chr3-150645961-A-C.
Other names: c.500T>G, p.Leu167Trp (NM_001195794.1); c.*75T>G (NM_001256819.2); c.233T>G, p.Leu78Trp (NM_052995.2); short protein forms L154W, L167W, L78W.
Identifiers: ClinVar variation 30574 (VCV000030574.4), dbSNP rs775098953, ClinGen allele CA2666033.
Genomic context (GRCh38, chr3:150,928,174, plus strand): 5'-CCTTCTTTATAATTTGCAATTTTTTCTGAGAGGTGATGGATTTTCACTTCAGAGGCAAAC[A>C]ATATCATGACAAGACAGCCACAGGAGCCTGCAACAGAAGAAACAAGGTGTTGGGACAAAT-3'
Protein context (NP_777367.1, residues 144-164): SGSCGCLVMI[Leu154Trp]FASEVKIHHL